The following is an entry in ClinVar:

NM_000312.4(PROC):c.768T>C (p.Asp256=)

Gene: PROC (protein C, inactivator of coagulation factors Va and VIIIa; plus strand). Cytogenetic location: 2q14.3.
Variant type: single nucleotide variant.
Coding change: c.768T>C on transcript NM_000312.4 (MANE Select); coding-DNA position 768, T replaced by C.
Protein change: p.Asp256=; no amino-acid change (aspartic acid 256 retained).
Molecular consequence: synonymous variant.
Genome position (GRCh38, 1-based): chr2:127,427,194, T>C. VCF-style: chr2-127427194-T-C. GRCh37 (hg19) VCF-style: chr2-128184770-T-C.
Other names: p.Asp256=; c.951T>C, p.Asp317= (NM_001375602.1); c.933T>C, p.Asp311= (NM_001375603.1); c.831T>C, p.Asp277= (NM_001375604.1); c.870T>C, p.Asp290= (NM_001375605.1); c.936T>C, p.Asp312= (NM_001375606.1); c.954T>C, p.Asp318= (NM_001375607.1); c.711T>C, p.Asp237= (NM_001375608.1); and 3 more.
Identifiers: ClinVar variation 255810 (VCV000255810.22), dbSNP rs5937, ClinGen allele CA1859440.

ClinVar aggregate classification (germline): Benign. Review status: criteria provided, multiple submitters, no conflicts (2 of 4 stars). 9 submissions from 8 submitters: Benign (8). 1 of the submissions does not count toward it. Last evaluated 2026-02-04.

Conditions:
Thrombophilia due to protein C deficiency, autosomal recessive. Also called: PROC DEFICIENCY, AUTOSOMAL RECESSIVE; PROTEIN C DEFICIENCY, AUTOSOMAL RECESSIVE. Identifiers: Orphanet 745, MedGen C2676759, MONDO:0012860, OMIM 612304.
Thrombophilia due to protein C deficiency, autosomal dominant. Also called: PROC DEFICIENCY, AUTOSOMAL DOMINANT; PROTEIN C DEFICIENCY, AUTOSOMAL DOMINANT. Identifiers: Orphanet 745, MedGen C2674321, MONDO:0008316, OMIM 176860. Disease mechanism: loss of function.

Allele frequency attached by ClinVar (database versions not stated): 1000 Genomes Project 0.22983; 1000 Genomes Project 30x 0.23954; gnomAD exomes 0.27234 and 0.31215; ExAC 0.28278; TOPMed 0.29470; ESP Exome Variant Server 0.32408.

Submissions (9):

Labcorp Genetics (formerly Invitae), Labcorp
Classification: Benign for Thrombophilia due to protein C deficiency, autosomal dominant. Last evaluated: 2026-02-04. Review status: criteria provided, single submitter. Criteria: Invitae Variant Classification Sherloc (09022015). Collection method: clinical testing. Allele origin: germline.

Genome-Nilou Lab
Classification: Benign for Thrombophilia due to protein C deficiency, autosomal dominant. Last evaluated: 2021-10-25. Review status: criteria provided, single submitter. Criteria: ACMG Guidelines, 2015. Collection method: clinical testing. Allele origin: germline. Affected: no.

Genome-Nilou Lab
Classification: Benign for Thrombophilia due to protein C deficiency, autosomal recessive. Last evaluated: 2021-10-25. Review status: criteria provided, single submitter. Criteria: ACMG Guidelines, 2015. Collection method: clinical testing. Allele origin: germline. Affected: no.

GeneDx
Classification: Benign. Last evaluated: 2018-11-12. Review status: criteria provided, single submitter. Criteria: GeneDx Variant Classification Process June 2021. Collection method: clinical testing. Allele origin: germline. Affected: yes.

Illumina Laboratory Services, Illumina
Classification: Benign for Thrombophilia due to protein C deficiency, autosomal dominant. Last evaluated: 2018-01-12. Review status: criteria provided, single submitter. Criteria: ICSL Variant Classification Criteria 13 December 2019. Collection method: clinical testing. Allele origin: germline.
Comment: This variant was observed in the ICSL laboratory as part of a predisposition screen in an ostensibly healthy population. It had not been previously curated by ICSL or reported in the Human Gene Mutation Database (HGMD: prior to June 1st, 2018), and was therefore a candidate for classification through an automated scoring system. Utilizing variant allele frequency, disease prevalence and penetrance estimates, and inheritance mode, an automated score was calculated to assess if this variant is too frequent to cause the disease. Based on the score and internal cut-off values, a variant classified as benign is not then subjected to further curation. The score for this variant resulted in a classification of benign for this disease.

Mayo Clinic Laboratories, Mayo Clinic
Classification: Benign. Last evaluated: 2016-05-26. Review status: criteria provided, single submitter. Criteria: ACMG Guidelines, 2015. Collection method: clinical testing. Allele origin: germline. Observed: 138 variant alleles.

Breakthrough Genomics
Classification: Benign. Review status: criteria provided, single submitter. Criteria: ACMG Guidelines, 2015. Collection method: not provided. Allele origin: germline. Inheritance: Autosomal recessive inheritance. Affected: yes.

PreventionGenetics, part of Exact Sciences
Classification: Benign. Review status: criteria provided, single submitter. Criteria: ACMG Guidelines, 2015. Collection method: clinical testing. Allele origin: germline.

Department of Pathology and Laboratory Medicine, Sinai Health System
Classification: Uncertain significance. Review status: no assertion criteria provided. Collection method: clinical testing. Allele origin: unknown. Affected: yes. Study: The Canadian Open Genetics Repository (COGR). Not counted in ClinVar's aggregate classification.
Comment: Allele frequency is common in at least one population database (frequency: 34.828% in gnomAD_ExomesFounderPop) based on the frequency threshold of 0.555% for this gene. Variant was observed in a homozygous state in population databases more than expected for disease. A synonymous variant not located in a splice region.